The following is an entry in ClinVar:

NM_015559.3(SETBP1):c.540+7444C>T

Gene: SETBP1 (SET binding protein 1; plus strand). Cytogenetic location: 18q12.3.
Variant type: single nucleotide variant.
Coding change: c.540+7444C>T on transcript NM_015559.3 (MANE Select); 7444 bases into the intron after coding-DNA position 540, C replaced by T.
Molecular consequence: intron variant. On other transcripts: missense variant (1).
Genome position (GRCh38, 1-based): chr18:44,876,727, C>T. VCF-style: chr18-44876727-C-T. GRCh37 (hg19) VCF-style: chr18-42456692-C-T.
Other names: c.703C>T, p.Pro235Ser (NM_001130110.2); c.540+7444C>T (NM_001379141.1, NM_001410862.1, NM_001379142.1); c.703C>T (NM_001130110.1); short protein forms P235S.
Identifiers: ClinVar variation 2648688 (VCV002648688.27), dbSNP rs751039254, ClinGen allele CA8945440.
Genomic context (GRCh38, chr18:44,876,727, plus strand): 5'-TGCCCCCGGAACCCATTCCCCGCAAAACCCGGTTCTCTCACTCTTCCTTTTCACAGTGAA[C>T]CTGCAGTCTGGGCACAAGAAGTATAACTTCGCATGGATTCTGCAAAGCCCACACCTGTGG-3'

ClinVar aggregate classification (germline): Likely benign. Review status: criteria provided, multiple submitters, no conflicts (2 of 4 stars). 4 submissions from 4 submitters: Likely benign (4). Last evaluated 2025-05-20.

Conditions:
Intellectual developmental disorder, autosomal dominant 29. Also called: Intellectual disability, autosomal dominant 29; SETBP1 Haploinsufficiency Disorder. Identifiers: Orphanet 436151, MedGen C4015141, MONDO:0014482, OMIM 616078.
Schinzel-Giedion syndrome (SGS). Identifiers: Orphanet 798, MedGen C0265227, MONDO:0010010, OMIM 269150.
SETBP1-related disorder. Also called: SETBP1-related condition; SETBP1-related disorders.

Allele frequency attached by ClinVar (database versions not stated): gnomAD exomes 0.00007; TOPMed 0.00009; ExAC 0.00012; gnomAD 0.00012.
gnomAD v4.1: 123 of 1,542,940 alleles (0.008%); highest among the groups gnomAD compares: Middle Eastern, 0.14%; 2 homozygotes.

Submissions (4):

PreventionGenetics, part of Exact Sciences
Classification: Likely benign for SETBP1-related condition. Last evaluated: 2025-05-20. Review status: criteria provided, single submitter. Criteria: ACMG Guidelines, 2015. Collection method: clinical testing. Allele origin: germline.
Comment: This variant is classified as likely benign based on ACMG/AMP sequence variant interpretation guidelines (Richards et al. 2015 PMID: 25741868, with internal and published modifications).

Blueprint Genetics
Classification: Likely benign. Last evaluated: 2024-08-16. Review status: criteria provided, single submitter. Criteria: ACMG Guidelines, 2015. Collection method: clinical testing. Allele origin: germline.

CeGaT Center for Human Genetics Tuebingen
Classification: Likely benign. Last evaluated: 2024-01-01. Review status: criteria provided, single submitter. Criteria: CeGaT Center For Human Genetics Tuebingen Variant Classification Criteria Version 2. Collection method: clinical testing. Allele origin: germline. Affected: yes. Observed: 2 variant alleles.
Comment: SETBP1: BP4, BS2

Department of Pathology and Laboratory Medicine, Sinai Health System
Classification: Likely benign for Schinzel-Giedion syndrome; Intellectual developmental disorder, autosomal dominant 29. Last evaluated: 2021-07-30. Review status: criteria provided, single submitter. Criteria: ACMG Guidelines, 2015. Collection method: research. Allele origin: germline.